The following is an entry in ClinVar:

NM_001375567.1(FOCAD):c.1402C>T (p.Leu468Phe)

Gene: FOCAD (focadhesin; plus strand). Cytogenetic location: 9p21.3.
Variant type: single nucleotide variant.
Coding change: c.1402C>T on transcript NM_001375567.1 (MANE Select); coding-DNA position 1402, C replaced by T.
Protein change: p.Leu468Phe; replaces leucine 468 with phenylalanine.
Molecular consequence: missense variant.
Genome position (GRCh38, 1-based): chr9:20,789,555, C>T. VCF-style: chr9-20789555-C-T. GRCh37 (hg19) VCF-style: chr9-20789554-C-T.
Other names: c.1402C>T, p.Leu468Phe (NM_001375568.1, NM_017794.5); c.1297C>T, p.Leu433Phe (NM_001375570.1); short protein forms L433F, L468F.
Identifiers: ClinVar variation 4716384 (VCV004716384.1).

ClinVar aggregate classification (germline): Uncertain significance (1 of 4 stars; one submission).

gnomAD v4.1: 3 of 1,613,974 alleles (0.00019%); highest among the groups gnomAD compares: East Asian, 0.0045%; no homozygotes.

Submission:

Labcorp Genetics (formerly Invitae), Labcorp
Classification: Uncertain significance. Last evaluated: 2025-03-31. Review status: criteria provided, single submitter. Criteria: Invitae Variant Classification Sherloc (09022015). Collection method: clinical testing. Allele origin: germline.
Comment: This sequence change replaces leucine, which is neutral and non-polar, with phenylalanine, which is neutral and non-polar, at codon 468 of the FOCAD protein (p.Leu468Phe). This variant is not present in population databases (gnomAD no frequency). This variant has not been reported in the literature in individuals affected with FOCAD-related conditions. Experimental studies and prediction algorithms are not available or were not evaluated, and the functional significance of this variant is currently unknown. In summary, the available evidence is currently insufficient to determine the role of this variant in disease. Therefore, it has been classified as a Variant of Uncertain Significance.